The following is an entry in ClinVar:

ClinVar aggregate classification (germline): Uncertain significance (1 of 4 stars; one submission).

Conditions:
Inborn genetic diseases. Identifiers: MedGen C0950123, MeSH D030342.

Allele frequency attached by ClinVar (database versions not stated): TOPMed below 0.00001; gnomAD 0.00001; gnomAD exomes 0.00001.
gnomAD v4.1: 13 of 1,612,934 alleles (0.00081%); highest among the groups gnomAD compares: Non-Finnish European, 0.00085%; no homozygotes.

Submission:

Ambry Genetics
Classification: Uncertain significance for Inborn genetic diseases. Last evaluated: 2021-07-30. Review status: criteria provided, single submitter. Criteria: Ambry Variant Classification Scheme 2023. Collection method: clinical testing. Allele origin: germline.
Comment: The c.1340A>G (p.K447R) alteration is located in coding exon 6 of the KCNN2 gene. This alteration results from an A to G substitution at nucleotide position 1340, causing the lysine (K) at amino acid position 447 to be replaced by an arginine (R). Based on data from the Genome Aggregation Database (gnomAD), the KCNN2 c.1340A>G alteration was observed in <0.01% (1/250798) of total alleles studied. This amino acid position is well conserved in available vertebrate species. The p.K447R alteration is predicted to be tolerated by in silico analysis. Based on insufficient or conflicting evidence, the clinical significance of this alteration remains unclear.

NM_021614.4(KCNN2):c.1976A>G (p.Lys659Arg)

Genes: KCNN2 (potassium calcium-activated channel subfamily N member 2; plus strand), LOC101927078 (uncharacterized LOC101927078; minus strand). Cytogenetic location: 5q22.3.
Variant type: single nucleotide variant.
Coding change: c.1976A>G on transcript NM_021614.4 (MANE Select); coding-DNA position 1976, A replaced by G.
Protein change: p.Lys659Arg; replaces lysine 659 with arginine.
Molecular consequence: missense variant. On other transcripts: non-coding transcript variant (2).
Genome position (GRCh38, 1-based): chr5:114,487,135, A>G. VCF-style: chr5-114487135-A-G. GRCh37 (hg19) VCF-style: chr5-113822832-A-G.
Other names: c.2174A>G, p.Lys725Arg (NM_001372233.1); c.296A>G, p.Lys99Arg (NM_170775.3); short protein forms K659R, K99R, K725R.
Identifiers: ClinVar variation 2408393 (VCV002408393.2), dbSNP rs74533652, ClinGen allele CA125675263.